The following is an entry in ClinVar:

NM_152564.5(VPS13B):c.6330del (p.Val2111fs)

Gene: VPS13B (vacuolar protein sorting 13 homolog B; plus strand). Cytogenetic location: 8q22.2.
Variant type: Deletion.
Coding change: c.6330del on transcript NM_152564.5 (MANE Select); coding-DNA position 6330, one base deleted (T; older notation c.6330delT).
Protein change: p.Val2111fs; shifts the reading frame from valine 2111.
Molecular consequence: frameshift variant.
Genome position (GRCh38, 1-based): chr8:99,699,808, T deleted. VCF-style (leftmost placement, unchanged base first): chr8-99699807-CT-C. GRCh37 (hg19) VCF-style: chr8-100712035-CT-C.
Other names: c.6405del, p.Val2136fs (NM_017890.5); short protein forms V2136fs, V2111fs.
Identifiers: ClinVar variation 2035541 (VCV002035541.4), dbSNP rs2491484645, ClinGen allele CA2579216024.
Genomic context (GRCh38, chr8:99,699,807, plus strand): 5'-TGCAAAAGATTTCAGCTCAAGAAAACATGTGGAGAGCTGTTTCCTGCTTTCAAAAAATTT[CT>C]GTTCAAACTACTCAGATTGTGATCTCCATGGAAACTGTACCCCATACCAGCAAACCATGC-3'

ClinVar aggregate classification (germline): Pathogenic (1 of 4 stars; one submission).

Conditions:
Cohen syndrome (COH1). Also called: PEPPER SYNDROME; Cutis verticis gyrata, retinitis pigmentosa, and sensorineural deafness. Identifiers: Orphanet 193, MedGen C0265223, MONDO:0008999, OMIM 216550.

Allele frequency attached by ClinVar (database versions not stated): gnomAD exomes below 0.00001.

Submission:

Labcorp Genetics (formerly Invitae), Labcorp
Classification: Pathogenic for Cohen syndrome. Last evaluated: 2022-10-14. Review status: criteria provided, single submitter. Criteria: Invitae Variant Classification Sherloc (09022015). Collection method: clinical testing. Allele origin: germline.
Comment: For these reasons, this variant has been classified as Pathogenic. This variant has not been reported in the literature in individuals affected with VPS13B-related conditions. This variant is not present in population databases (gnomAD no frequency). This sequence change creates a premature translational stop signal (p.Val2136Phefs*7) in the VPS13B gene. It is expected to result in an absent or disrupted protein product. Loss-of-function variants in VPS13B are known to be pathogenic (PMID: 15141358, 16648375, 20461111).

Literature cited by the submitters: PubMed 15141358; PubMed 16648375; PubMed 20461111.